The following is an entry in ClinVar:

NM_001114753.3(ENG):c.1336G>T (p.Asp446Tyr)

Genes: ENG (endoglin; minus strand), LOC102723566 (uncharacterized LOC102723566; plus strand). Cytogenetic location: 9q34.11.
Variant type: single nucleotide variant.
Coding change: c.1336G>T on transcript NM_001114753.3 (MANE Select); coding-DNA position 1336, G replaced by T.
Protein change: p.Asp446Tyr; replaces aspartic acid 446 with tyrosine.
Molecular consequence: missense variant.
Genome position (GRCh38, 1-based): chr9:127,818,808, C>A on the plus strand (G>T on the coding strand, the complement: ENG is on the minus strand). VCF-style: chr9-127818808-C-A. GRCh37 (hg19) VCF-style: chr9-130581087-C-A.
Other names: c.1336G>T, p.Asp446Tyr (NM_000118.4); c.790G>T, p.Asp264Tyr (NM_001278138.2); short protein forms D446Y, D264Y.
Identifiers: ClinVar variation 1904982 (VCV001904982.5), dbSNP rs1830399300, ClinGen allele CA374977746.
Genomic context (GRCh38, chr9:127,818,808, plus strand): 5'-TGTTGGAGGCCTGGAGGAAGTGTGGGCTGAGGTAGAGGCCCAGCTGGAAAGAGAGGCTGT[C>A]CATGTTGAGGCAGTGCACCTTTTTCTGGGGGAGGACGGGAGGGAGACTTGGTCAATCTGG-3'
Protein context (NP_001108225.1, residues 436-456): QRKKVHCLNM[Asp446Tyr]SLSFQLGLYL

ClinVar aggregate classification (germline): Uncertain significance (1 of 4 stars; one submission).

Conditions:
Hereditary hemorrhagic telangiectasia (HHT). Also called: ORW DISEASE; Osler Weber Rendu syndrome; OSLER-RENDU-WEBER DISEASE; Osler hemorrhagic telangiectasia syndrome. Identifiers: Orphanet 774, MedGen C0039445, MONDO:0019180. Disease mechanism: loss of function.

Submission:

Labcorp Genetics (formerly Invitae), Labcorp
Classification: Uncertain significance for Hereditary hemorrhagic telangiectasia. Last evaluated: 2023-07-07. Review status: criteria provided, single submitter. Criteria: Invitae Variant Classification Sherloc (09022015). Collection method: clinical testing. Allele origin: germline.
Comment: In summary, the available evidence is currently insufficient to determine the role of this variant in disease. Therefore, it has been classified as a Variant of Uncertain Significance. Algorithms developed to predict the effect of sequence changes on RNA splicing suggest that this variant may create or strengthen a splice site. Advanced modeling of protein sequence and biophysical properties (such as structural, functional, and spatial information, amino acid conservation, physicochemical variation, residue mobility, and thermodynamic stability) has been performed at Invitae for this missense variant, however the output from this modeling did not meet the statistical confidence thresholds required to predict the impact of this variant on ENG protein function. ClinVar contains an entry for this variant (Variation ID: 1904982). This variant has not been reported in the literature in individuals affected with ENG-related conditions. This variant is not present in population databases (gnomAD no frequency). This sequence change replaces aspartic acid, which is acidic and polar, with tyrosine, which is neutral and polar, at codon 446 of the ENG protein (p.Asp446Tyr).